The following is an entry in ClinVar:

ClinVar aggregate classification (germline): Benign (1 of 4 stars; one submission).

Submission:

CeGaT Center for Human Genetics Tuebingen
Classification: Benign. Last evaluated: 2026-07-01. Review status: criteria provided, single submitter. Criteria: CeGaT Center For Human Genetics Tuebingen Variant Classification Criteria Version 2. Collection method: clinical testing. Allele origin: germline. Affected: yes. Observed: 1 variant allele.
Comment: GTF3C3: BS1, BS2

NM_012086.5(GTF3C3):c.309GGA[5] (p.Glu110_Glu111del)

Gene: GTF3C3 (general transcription factor IIIC subunit 3; minus strand). Cytogenetic location: 2q33.1.
Variant type: Microsatellite.
Coding change: c.309GGA[5] on transcript NM_012086.5 (MANE Select); five copies in a row of the 3-base unit GGA starting at c.309; the reference has seven copies in a row; two copies, 6 bases deleted.
Protein change: p.Glu110_Glu111del.
Genome position (GRCh38, 1-based): chr2:196,793,038-196,793,043, TCCTCC deleted on the plus strand (GGAGGA on the coding strand, the reverse complement: GTF3C3 is on the minus strand); deleting any 6 consecutive bases within chr2:196,793,038-196,793,060 gives the same sequence; the position shown is the placement nearest the transcript's 3' end. VCF-style (leftmost placement, unchanged base first): chr2-196793037-TTCCTCC-T. GRCh37 (hg19) VCF-style: chr2-197657761-TTCCTCC-T.
Other names: c.309GGA[5], p.Glu110_Glu111del (NM_001206774.2).
Identifiers: ClinVar variation 5038476 (VCV005038476.1).